The following is an entry in ClinVar:

NM_001042424.3(NSD2):c.3293A>T (p.Asp1098Val)

Gene: NSD2 (nuclear receptor binding SET domain protein 2; plus strand). Cytogenetic location: 4p16.3.
Variant type: single nucleotide variant.
Coding change: c.3293A>T on transcript NM_001042424.3 (MANE Select); coding-DNA position 3293, A replaced by T.
Protein change: p.Asp1098Val; replaces aspartic acid 1098 with valine.
Molecular consequence: missense variant.
Genome position (GRCh38, 1-based): chr4:1,961,072, A>T. VCF-style: chr4-1961072-A-T. GRCh37 (hg19) VCF-style: chr4-1962799-A-T.
Other names: c.3293A>T, p.Asp1098Val (NM_133330.3, NM_133331.3, NM_133335.4); short protein forms D1098V.
Identifiers: ClinVar variation 1708594 (VCV001708594.2), dbSNP rs2474669808, ClinGen allele CA355997326.
Genomic context (GRCh38, chr4:1,961,072, plus strand): 5'-GGCCACATGCTTGTGATTTCCAGGGAGAATTTGTTAACGAGTACGTTGGGGAGCTGATCG[A>T]CGAGGAGGAGTGCATGGCGAGAATCAAGCACGCACACGAGAACGACATCACCCACTTCTA-3'
Protein context (NP_001035889.1, residues 1088-1108): FVNEYVGELI[Asp1098Val]EEECMARIKH

ClinVar aggregate classification (germline): Uncertain significance (1 of 4 stars; one submission).

Submission:

GeneDx
Classification: Uncertain significance. Last evaluated: 2022-04-07. Review status: criteria provided, single submitter. Criteria: GeneDx Variant Classification Process June 2021. Collection method: clinical testing. Allele origin: germline. Affected: yes.
Comment: Not observed at significant frequency in large population cohorts (gnomAD); In silico analysis supports that this missense variant has a deleterious effect on protein structure/function; Has not been previously published as pathogenic or benign to our knowledge